The following is an entry in ClinVar:

ClinVar aggregate classification (germline): Likely benign. Review status: criteria provided, single submitter (1 of 4 stars). 2 submissions from 2 submitters: Likely benign (1). 1 of the submissions does not count toward it. Last evaluated 2018-05-30.

Conditions:
CMIP-related disorder. Also called: CMIP-related condition.

Allele frequency attached by ClinVar (database versions not stated): gnomAD exomes 0.00002 and 0.00011; gnomAD 0.00004 and 0.00006; ExAC 0.00009; TOPMed 0.00010; 1000 Genomes Project 30x 0.00031; 1000 Genomes Project 0.00040.
gnomAD v4.1: 63 of 1,614,032 alleles (0.0039%); highest among the groups gnomAD compares: East Asian, 0.089%; no homozygotes.

Submissions (2):

Labcorp Genetics (formerly Invitae), Labcorp
Classification: Likely benign. Last evaluated: 2018-05-30. Review status: criteria provided, single submitter. Criteria: Invitae Variant Classification Sherloc (09022015). Collection method: clinical testing. Allele origin: germline.

PreventionGenetics, part of Exact Sciences
Classification: Likely benign for CMIP-related condition. Last evaluated: 2019-02-21. Review status: no assertion criteria provided. Collection method: clinical testing. Allele origin: germline. Not counted in ClinVar's aggregate classification.
Comment: This variant is classified as likely benign based on ACMG/AMP sequence variant interpretation guidelines (Richards et al. 2015 PMID: 25741868, with internal and published modifications).

NM_198390.3(CMIP):c.693T>G (p.Pro231=)

Gene: CMIP (c-Maf inducing protein; plus strand). Cytogenetic location: 16q23.3.
Variant type: single nucleotide variant.
Coding change: c.693T>G on transcript NM_198390.3 (MANE Select); coding-DNA position 693, T replaced by G.
Protein change: p.Pro231=; no amino-acid change (proline 231 retained).
Molecular consequence: synonymous variant.
Genome position (GRCh38, 1-based): chr16:81,660,895, T>G. VCF-style: chr16-81660895-T-G. GRCh37 (hg19) VCF-style: chr16-81694500-T-G.
Other names: c.411T>G, p.Pro137= (NM_030629.3).
Identifiers: ClinVar variation 739872 (VCV000739872.5), dbSNP rs552521007, ClinGen allele CA8192183.